The following is an entry in ClinVar:

ClinVar aggregate classification (germline): Pathogenic. Review status: criteria provided, multiple submitters, no conflicts (2 of 4 stars). 5 submissions from 5 submitters: Pathogenic (4). 1 of the submissions does not count toward it. Last evaluated 2025-01-09.

Conditions:
Becker muscular dystrophy, Cardiomyopathy, Duchenne muscular dystrophy, Dystrophin deficiency.
Duchenne muscular dystrophy (DMD). Also called: MUSCULAR DYSTROPHY, PSEUDOHYPERTROPHIC PROGRESSIVE, DUCHENNE TYPE; Duchenne Muscular Dystrophy (DMD). Identifiers: Orphanet 98896, MedGen C0013264, MONDO:0010679, OMIM 310200.

Submissions (5):

Natera, Inc.
Classification: Pathogenic for Becker muscular dystrophy, Cardiomyopathy, Duchenne muscular dystrophy, Dystrophin deficiency. Last evaluated: 2025-01-09. Review status: criteria provided, single submitter. Criteria: Natera Variant Classification Schema (03/2026). Collection method: clinical testing. Allele origin: germline.
Comment: The c.1489C>T variant in DMD is a nonsense variant predicted to introduce a stop codon at amino acid 497. This variant is expected to result in nonsense mediated decay, truncation, or a dysfunctional protein product. This variant is rare in the general population with a frequency below the threshold expected for the associated phenotype(s). This variant has been observed in affected individual(s) with monoallelic occurrence (heterozygous/hemizygous) (PMID: 31379145). Given the available evidence, this variant is classified as Pathogenic.

Labcorp Genetics (formerly Invitae), Labcorp
Classification: Pathogenic for Duchenne muscular dystrophy. Last evaluated: 2024-02-08. Review status: criteria provided, single submitter. Criteria: Invitae Variant Classification Sherloc (09022015). Collection method: clinical testing. Allele origin: germline.
Comment: This sequence change creates a premature translational stop signal (p.Gln497*) in the DMD gene. It is expected to result in an absent or disrupted protein product. Loss-of-function variants in DMD are known to be pathogenic (PMID: 16770791, 25007885). This variant is not present in population databases (gnomAD no frequency). This premature translational stop signal has been observed in individual(s) with Duchenne muscular dystrophy (PMID: 7951253). ClinVar contains an entry for this variant (Variation ID: 11247). For these reasons, this variant has been classified as Pathogenic.

Revvity Omics, Revvity
Classification: Pathogenic. Last evaluated: 2022-06-20. Review status: criteria provided, single submitter. Criteria: ACMG Guidelines, 2015. Collection method: clinical testing. Allele origin: germline.

Mendelics
Classification: Pathogenic for Duchenne muscular dystrophy. Last evaluated: 2019-05-28. Review status: criteria provided, single submitter. Criteria: Mendelics Assertion Criteria 2017. Collection method: clinical testing. Allele origin: unknown.

OMIM
Classification: Pathogenic for DUCHENNE MUSCULAR DYSTROPHY. Last evaluated: 1993-11-01. Review status: no assertion criteria provided. Collection method: literature only. Allele origin: germline. Not counted in ClinVar's aggregate classification.

Literature cited by the submitters: PubMed 31379145 (cited by Natera, Inc.); PubMed 16770791 (cited by Labcorp Genetics (formerly Invitae), Labcorp); PubMed 25007885 (cited by Labcorp Genetics (formerly Invitae), Labcorp); PubMed 7951253 (cited by Labcorp Genetics (formerly Invitae), Labcorp); PubMed 8301652 (cited by OMIM).

NM_004006.3(DMD):c.1489C>T (p.Gln497Ter)

Gene: DMD (dystrophin; minus strand). Cytogenetic location: Xp21.1.
Variant type: single nucleotide variant.
Coding change: c.1489C>T on transcript NM_004006.3 (MANE Select); coding-DNA position 1489, C replaced by T.
Protein change: p.Gln497Ter; replaces glutamine 497 with a stop codon.
Molecular consequence: nonsense.
Genome position (GRCh38, 1-based): chrX:32,595,870, G>A on the plus strand (C>T on the coding strand, the complement: DMD is on the minus strand). VCF-style: chrX-32595870-G-A. GRCh37 (hg19) VCF-style: chrX-32613987-G-A.
Other names: NP_003997.1:p.Gln497*; c.1465C>T, p.Gln489Ter (NM_000109.4); c.1477C>T, p.Gln493Ter (NM_004009.3); c.1120C>T, p.Gln374Ter (NM_004010.3); short protein forms Q497*, Q489*, Q493*, Q374*.
Identifiers: ClinVar variation 11247 (VCV000011247.12), dbSNP rs128626241, ClinGen allele CA341052.